The following is an entry in ClinVar:

ClinVar aggregate classification (germline): Uncertain significance. Review status: criteria provided, multiple submitters, no conflicts (2 of 4 stars). 2 submissions from 2 submitters: Uncertain significance (2). Last evaluated 2026-06-24.

Conditions:
Congenital adrenal hyperplasia due to cytochrome P450 oxidoreductase deficiency. Also called: DISORDERED STEROIDOGENESIS DUE TO POR DEFICIENCY. Identifiers: Orphanet 95699, MedGen C1860042, MONDO:0013310, OMIM 613571.
Inborn genetic diseases. Identifiers: MedGen C0950123, MeSH D030342.

gnomAD v4.1: 9 of 1,612,136 alleles (0.00056%); highest among the groups gnomAD compares: Non-Finnish European, 0.00076%; no homozygotes.

Submissions (2):

Ambry Genetics
Classification: Uncertain significance for Inborn genetic diseases. Last evaluated: 2026-06-24. Review status: criteria provided, single submitter. Criteria: Ambry Variant Classification Scheme 2023. Collection method: clinical testing. Allele origin: germline.

Labcorp Genetics (formerly Invitae), Labcorp
Classification: Uncertain significance for Congenital adrenal hyperplasia due to cytochrome P450 oxidoreductase deficiency. Last evaluated: 2025-11-06. Review status: criteria provided, single submitter. Criteria: Invitae Variant Classification Sherloc (09022015). Collection method: clinical testing. Allele origin: germline.
Comment: This sequence change replaces phenylalanine, which is neutral and non-polar, with valine, which is neutral and non-polar, at codon 279 of the POR protein (p.Phe279Val). This variant is present in population databases (rs782738586, gnomAD 0.004%). This variant has not been reported in the literature in individuals affected with POR-related conditions. Invitae Evidence Modeling of protein sequence and biophysical properties (such as structural, functional, and spatial information, amino acid conservation, physicochemical variation, residue mobility, and thermodynamic stability) indicates that this missense variant is not expected to disrupt POR protein function with a negative predictive value of 80%. In summary, the available evidence is currently insufficient to determine the role of this variant in disease. Therefore, it has been classified as a Variant of Uncertain Significance.

NM_001395413.1(POR):c.826T>G (p.Phe276Val)

Genes: POR (cytochrome p450 oxidoreductase; plus strand), LOC126860075 (CDK7 strongly-dependent group 2 enhancer GRCh37_chr7:75612087-75613286; plus strand). Cytogenetic location: 7q11.23.
Variant type: single nucleotide variant.
Coding change: c.826T>G on transcript NM_001395413.1 (MANE Select); coding-DNA position 826, T replaced by G.
Protein change: p.Phe276Val; replaces phenylalanine 276 with valine.
Molecular consequence: missense variant.
Genome position (GRCh38, 1-based): chr7:75,983,524, T>G. VCF-style: chr7-75983524-T-G. GRCh37 (hg19) VCF-style: chr7-75612842-T-G.
Other names: c.835T>G (NM_000941.2); c.826T>G, p.Phe276Val (NM_001367562.3, NM_001382657.2, NM_001382658.3 and 2 more transcripts); c.880T>G, p.Phe294Val (NM_001382655.3); short protein forms F276V, F294V.
Identifiers: ClinVar variation 4754167 (VCV004754167.2).